The following is an entry in ClinVar:

NM_005120.3(MED12):c.1102-6T>C

Gene: MED12 (mediator complex subunit 12; plus strand). Cytogenetic location: Xq13.1.
Variant type: single nucleotide variant.
Coding change: c.1102-6T>C on transcript NM_005120.3 (MANE Select); 6 bases into the intron before coding-DNA position 1102, T replaced by C.
Molecular consequence: intron variant.
Genome position (GRCh38, 1-based): chrX:71,122,194, T>C. VCF-style: chrX-71122194-T-C. GRCh37 (hg19) VCF-style: chrX-70342044-T-C.
Identifiers: ClinVar variation 2431673 (VCV002431673.1), dbSNP rs2519669678, ClinGen allele CA2580101346.

ClinVar aggregate classification (germline): Uncertain significance (1 of 4 stars; one submission).

Conditions:
Blepharophimosis - intellectual disability syndrome, MKB type. Also called: BLEPHAROPHIMOSIS-MENTAL RETARDATION SYNDROME, MAAT-KIEVIT-BRUNNER TYPE; Ohdo syndrome, X-linked; X-Linked Ohdo Syndrome (XLOS). Identifiers: Orphanet 293707, MedGen C3698541, MONDO:0010477, OMIM 300895.

Submission:

Laboratorio de Genetica e Diagnostico Molecular, Hospital Israelita Albert Einstein
Classification: Uncertain significance for Blepharophimosis - intellectual disability syndrome, MKB type. Last evaluated: 2022-06-10. Review status: criteria provided, single submitter. Criteria: ACMG Guidelines, 2015. Collection method: clinical testing. Allele origin: germline. Affected: yes. Observed: 1 variant allele.
Comment: ACMG classification criteria: PM2 moderated